The following is an entry in ClinVar:

NM_015466.4(PTPN23):c.4522C>T (p.Arg1508Trp)

Gene: PTPN23 (protein tyrosine phosphatase non-receptor type 23; plus strand). Cytogenetic location: 3p21.31.
Variant type: single nucleotide variant.
Coding change: c.4522C>T on transcript NM_015466.4 (MANE Select); coding-DNA position 4522, C replaced by T.
Protein change: p.Arg1508Trp; replaces arginine 1508 with tryptophan.
Molecular consequence: missense variant.
Genome position (GRCh38, 1-based): chr3:47,412,796, C>T. VCF-style: chr3-47412796-C-T. GRCh37 (hg19) VCF-style: chr3-47454286-C-T.
Other names: c.4144C>T, p.Arg1382Trp (NM_001304482.2); short protein forms R1382W, R1508W.
Identifiers: ClinVar variation 1446502 (VCV001446502.6), dbSNP rs931968672, ClinGen allele CA73886232.

ClinVar aggregate classification (germline): Uncertain significance (1 of 4 stars; one submission).

Allele frequency attached by ClinVar (database versions not stated): TOPMed below 0.00001; gnomAD exomes 0.00001; gnomAD 0.00002.
gnomAD v4.1: 18 of 1,613,344 alleles (0.0011%); highest among the groups gnomAD compares: Admixed American, 0.005%; no homozygotes.

Submission:

Labcorp Genetics (formerly Invitae), Labcorp
Classification: Uncertain significance. Last evaluated: 2022-08-09. Review status: criteria provided, single submitter. Criteria: Invitae Variant Classification Sherloc (09022015). Collection method: clinical testing. Allele origin: germline.
Comment: In summary, the available evidence is currently insufficient to determine the role of this variant in disease. Therefore, it has been classified as a Variant of Uncertain Significance. Algorithms developed to predict the effect of missense changes on protein structure and function are either unavailable or do not agree on the potential impact of this missense change (SIFT: "Deleterious"; PolyPhen-2: "Probably Damaging"; Align-GVGD: "Class C0"). ClinVar contains an entry for this variant (Variation ID: 1446502). This sequence change replaces arginine, which is basic and polar, with tryptophan, which is neutral and slightly polar, at codon 1508 of the PTPN23 protein (p.Arg1508Trp). This variant is present in population databases (no rsID available, gnomAD 0.01%). This variant has not been reported in the literature in individuals affected with PTPN23-related conditions.